The following is an entry in ClinVar:

NM_138694.4(PKHD1):c.*780A>G

Gene: PKHD1 (PKHD1 ciliary IPT domain containing fibrocystin/polyductin; minus strand). Cytogenetic location: 6p12.3.
Variant type: single nucleotide variant.
Coding change: c.*780A>G on transcript NM_138694.4 (MANE Select); 780 bases downstream of the stop codon, A replaced by G.
Molecular consequence: 3 prime UTR variant.
Genome position (GRCh38, 1-based): chr6:51,618,301, T>C on the plus strand (A>G on the coding strand, the complement: PKHD1 is on the minus strand). VCF-style: chr6-51618301-T-C. GRCh37 (hg19) VCF-style: chr6-51483099-T-C.
Identifiers: ClinVar variation 357395 (VCV000357395.7), dbSNP rs886061606, ClinGen allele CA10622410.

ClinVar aggregate classification (germline): Uncertain significance. Review status: criteria provided, multiple submitters, no conflicts (2 of 4 stars). 2 submissions from 2 submitters: Uncertain significance (2). Last evaluated 2026-04-16.

Conditions:
Autosomal recessive polycystic kidney disease (ARPKD). Also called: AR polycystic kidney disease. Identifiers: Orphanet 731, Orphanet 8378, MedGen C0085548, MeSH D017044, MONDO:0009889.

Allele frequency attached by ClinVar (database versions not stated): TOPMed 0.00007; gnomAD 0.00004.

Submissions (2):

Dasa
Classification: Uncertain significance. Last evaluated: 2026-04-16. Review status: criteria provided, single submitter. Criteria: DASA Assertion Criteria. Collection method: clinical testing. Allele origin: germline.
Comment: NM_138694.4(PKHD1):c.*780A>G is a sequence variant. This variant is rare in population databases. The currently available literature and clinical evidence are not sufficient to establish a definitive association between this variant and the reported condition. Therefore, this variant is classified as a variant of uncertain significance.

Illumina Laboratory Services, Illumina
Classification: Uncertain significance for Polycystic kidney disease 4. Last evaluated: 2018-01-13. Review status: criteria provided, single submitter. Criteria: ICSL Variant Classification Criteria 13 December 2019. Collection method: clinical testing. Allele origin: germline.